The following is an entry in ClinVar:

ClinVar aggregate classification (germline): Uncertain significance. Review status: criteria provided, multiple submitters, no conflicts (2 of 4 stars). 3 submissions from 3 submitters: Uncertain significance (3). Last evaluated 2025-10-23.

Conditions:
Inborn genetic diseases. Identifiers: MedGen C0950123, MeSH D030342.
Deficiency of transaldolase. Also called: EYAID SYNDROME. Identifiers: Orphanet 101028, MedGen C1291329, MONDO:0011624, OMIM 606003.

Allele frequency attached by ClinVar (database versions not stated): gnomAD exomes 0.00001 and 0.00002; ExAC 0.00002; TOPMed 0.00014; gnomAD 0.00016.
gnomAD v4.1: 36 of 1,614,138 alleles (0.0022%); highest among the groups gnomAD compares: African/African-American, 0.047%; no homozygotes.

Submissions (3):

Labcorp Genetics (formerly Invitae), Labcorp
Classification: Uncertain significance. Last evaluated: 2025-10-23. Review status: criteria provided, single submitter. Criteria: Invitae Variant Classification Sherloc (09022015). Collection method: clinical testing. Allele origin: germline.
Comment: This sequence change replaces glutamic acid, which is acidic and polar, with lysine, which is basic and polar, at codon 328 of the TALDO1 protein (p.Glu328Lys). This variant is present in population databases (rs369679261, gnomAD 0.04%). This variant has not been reported in the literature in individuals affected with TALDO1-related conditions. ClinVar contains an entry for this variant (Variation ID: 1028549). An algorithm developed to predict the effect of missense changes on protein structure and function (PolyPhen-2) suggests that this variant is likely to be tolerated. Algorithms developed to predict the effect of sequence changes on RNA splicing suggest that this variant may disrupt the consensus splice site. In summary, the available evidence is currently insufficient to determine the role of this variant in disease. Therefore, it has been classified as a Variant of Uncertain Significance.

Ambry Genetics
Classification: Uncertain significance for Inborn genetic diseases. Last evaluated: 2025-03-14. Review status: criteria provided, single submitter. Criteria: Ambry Variant Classification Scheme 2023. Collection method: clinical testing. Allele origin: germline.

Baylor Genetics
Classification: Uncertain significance for Deficiency of transaldolase. Last evaluated: 2020-05-05. Review status: criteria provided, single submitter. Criteria: ACMG Guidelines, 2015. Collection method: clinical testing. Allele origin: unknown. Affected: yes.
Comment: This variant was determined to be of uncertain significance according to ACMG Guidelines, 2015 [PMID:25741868].

NM_006755.2(TALDO1):c.982G>A (p.Glu328Lys)

Gene: TALDO1 (transaldolase 1; plus strand). Cytogenetic location: 11p15.5.
Variant type: single nucleotide variant.
Coding change: c.982G>A on transcript NM_006755.2 (MANE Select); coding-DNA position 982, G replaced by A.
Protein change: p.Glu328Lys; replaces glutamic acid 328 with lysine.
Molecular consequence: missense variant.
Genome position (GRCh38, 1-based): chr11:764,813, G>A. VCF-style: chr11-764813-G-A. GRCh37 (hg19) VCF-style: chr11-764813-G-A.
Other names: short protein forms E328K.
Identifiers: ClinVar variation 1028549 (VCV001028549.3), dbSNP rs369679261, ClinGen allele CA5788407.